The following is an entry in ClinVar:

ClinVar aggregate classification (germline): Likely benign (1 of 4 stars; one submission).

Allele frequency attached by ClinVar (database versions not stated): 1000 Genomes Project 0.00759; gnomAD 0.00853 and 0.00906; 1000 Genomes Project 30x 0.00953; TOPMed 0.00996.
gnomAD v4.1: 1,276 of 151,668 alleles (0.84%); highest among the groups gnomAD compares: African/African-American, 2.9%; 25 homozygotes.

Submission:

GeneDx
Classification: Likely benign. Last evaluated: 2018-06-16. Review status: criteria provided, single submitter. Criteria: GeneDx Variant Classification (06012015). Collection method: clinical testing. Allele origin: germline. Affected: yes.
Comment: This variant is considered likely benign or benign based on one or more of the following criteria: it is a conservative change, it occurs at a poorly conserved position in the protein, it is predicted to be benign by multiple in silico algorithms, and/or has population frequency not consistent with disease.

NM_003283.6(TNNT1):c.612-228A>G

Gene: TNNT1 (troponin T1, slow skeletal type; minus strand). Cytogenetic location: 19q13.42.
Variant type: single nucleotide variant.
Coding change: c.612-228A>G on transcript NM_003283.6 (MANE Select); 228 bases into the intron before coding-DNA position 612, A replaced by G.
Molecular consequence: intron variant.
Genome position (GRCh38, 1-based): chr19:55,134,432, T>C on the plus strand (A>G on the coding strand, the complement: TNNT1 is on the minus strand). VCF-style: chr19-55134432-T-C. GRCh37 (hg19) VCF-style: chr19-55645800-T-C.
Other names: c.579-276A>G (NM_001126133.3, NM_001291774.2); c.612-276A>G (NM_001126132.3).
Identifiers: ClinVar variation 677633 (VCV000677633.1), dbSNP rs7259126, ClinGen allele CA310127570.
Genomic context (GRCh38, chr19:55,134,432, plus strand): 5'-CGCATTTCCCAAGGGGAGAGAAGGGTGTCATGATTAAGAGACCAGGCTCGGCACCTGTAA[T>C]CCCAGCACTTTGGGAGGCAGAGGCCAGCAGAACACTTGAGCCCAGGAGTTCAAGACCAGC-3'